The following is an entry in ClinVar:

ClinVar aggregate classification (germline): Likely benign (0 of 4 stars; one submission).

Conditions:
HNF4A-related disorder. Also called: HNF4A-related condition.

Allele frequency attached by ClinVar (database versions not stated): ExAC 0.00004; gnomAD 0.00005; TOPMed 0.00006; gnomAD exomes 0.00015.
gnomAD v4.1: 227 of 1,611,536 alleles (0.014%); highest among the groups gnomAD compares: Non-Finnish European, 0.019%; no homozygotes.

Submission:

PreventionGenetics, part of Exact Sciences
Classification: Likely benign for HNF4A-related condition. Last evaluated: 2019-12-19. Review status: no assertion criteria provided. Collection method: clinical testing. Allele origin: germline.
Comment: This variant is classified as likely benign based on ACMG/AMP sequence variant interpretation guidelines (Richards et al. 2015 PMID: 25741868, with internal and published modifications).

NM_175914.5(HNF4A):c.827-6T>C

Gene: HNF4A (hepatocyte nuclear factor 4 alpha; plus strand). Cytogenetic location: 20q13.12.
Variant type: single nucleotide variant.
Coding change: c.827-6T>C on transcript NM_175914.5 (MANE Select); 6 bases into the intron before coding-DNA position 827, T replaced by C.
Molecular consequence: intron variant.
Genome position (GRCh38, 1-based): chr20:44,424,012, T>C. VCF-style: chr20-44424012-T-C. GRCh37 (hg19) VCF-style: chr20-43052652-T-C.
Other names: c.818-6T>C (NM_001287182.2, NM_001287183.2, NM_001287184.2); c.827-6T>C (NM_001030003.3, NM_001030004.3); c.872-6T>C (NM_001258355.2); c.893-6T>C (NM_178849.3, NM_000457.6, NM_178850.3).
Identifiers: ClinVar variation 3048958 (VCV003048958.2), dbSNP rs557971956, ClinGen allele CA9870390.